The following is an entry in ClinVar:

NM_001394998.1(TANC2):c.4442C>T (p.Pro1481Leu)

Gene: TANC2 (tetratricopeptide repeat, ankyrin repeat and coiled-coil containing 2; plus strand). Cytogenetic location: 17q23.3.
Variant type: single nucleotide variant.
Coding change: c.4442C>T on transcript NM_001394998.1 (MANE Select); coding-DNA position 4442, C replaced by T.
Protein change: p.Pro1481Leu; replaces proline 1481 with leucine.
Molecular consequence: missense variant.
Genome position (GRCh38, 1-based): chr17:63,420,172, C>T. VCF-style: chr17-63420172-C-T. GRCh37 (hg19) VCF-style: chr17-61497533-C-T.
Other names: c.4190C>T, p.Pro1397Leu (NM_025185.4); short protein forms P1397L, P1481L.
Identifiers: ClinVar variation 1694857 (VCV001694857.31), dbSNP rs1212542665, ClinGen allele CA400541312.

ClinVar aggregate classification (germline): Likely benign (1 of 4 stars; one submission).

Allele frequency attached by ClinVar (database versions not stated): gnomAD 0.00001; gnomAD exomes 0.00001 and 0.00003.
gnomAD v4.1: 25 of 1,573,502 alleles (0.0016%); highest among the groups gnomAD compares: Non-Finnish European, 0.0019%; no homozygotes.

Submission:

CeGaT Center for Human Genetics Tuebingen
Classification: Likely benign. Last evaluated: 2024-06-01. Review status: criteria provided, single submitter. Criteria: CeGaT Center For Human Genetics Tuebingen Variant Classification Criteria Version 2. Collection method: clinical testing. Allele origin: germline. Affected: yes. Observed: 2 variant alleles.
Comment: TANC2: BP4